The following is an entry in ClinVar:

NM_001270508.2(TNFAIP3):c.2245C>T (p.Arg749Trp)

Gene: TNFAIP3 (TNF alpha induced protein 3; plus strand). Cytogenetic location: 6q23.3.
Variant type: single nucleotide variant.
Coding change: c.2245C>T on transcript NM_001270508.2 (MANE Select); coding-DNA position 2245, C replaced by T.
Protein change: p.Arg749Trp; replaces arginine 749 with tryptophan.
Molecular consequence: missense variant.
Genome position (GRCh38, 1-based): chr6:137,881,191, C>T. VCF-style: chr6-137881191-C-T. GRCh37 (hg19) VCF-style: chr6-138202328-C-T.
Other names: c.2245C>T, p.Arg749Trp (NM_006290.4, NM_001270507.2); c.2245C>T (NM_006290.3); short protein forms R749W.
Identifiers: ClinVar variation 3630385 (VCV003630385.3).

ClinVar aggregate classification (germline): Uncertain significance. Review status: criteria provided, multiple submitters, no conflicts (2 of 4 stars). 2 submissions from 2 submitters: Uncertain significance (2). Last evaluated 2024-12-16.

Conditions:
TNFAIP3-related disorder. Also called: TNFAIP3-related condition.

gnomAD v4.1: 9 of 1,613,542 alleles (0.00056%); highest among the groups gnomAD compares: Admixed American, 0.0033%; no homozygotes.

Submissions (2):

PreventionGenetics, part of Exact Sciences
Classification: Uncertain significance for TNFAIP3-related condition. Last evaluated: 2024-12-16. Review status: criteria provided, single submitter. Criteria: ACMG Guidelines, 2015. Collection method: clinical testing. Allele origin: germline.
Comment: The TNFAIP3 c.2245C>T variant is predicted to result in the amino acid substitution p.Arg749Trp. To our knowledge, this variant has not been reported in the literature. This variant is reported in 0.0062% of alleles in individuals of African descent in gnomAD. At this time, the clinical significance of this variant is uncertain due to the absence of conclusive functional and genetic evidence.

Labcorp Genetics (formerly Invitae), Labcorp
Classification: Uncertain significance. Last evaluated: 2024-10-30. Review status: criteria provided, single submitter. Criteria: Invitae Variant Classification Sherloc (09022015). Collection method: clinical testing. Allele origin: germline.
Comment: This sequence change replaces arginine, which is basic and polar, with tryptophan, which is neutral and slightly polar, at codon 749 of the TNFAIP3 protein (p.Arg749Trp). This variant is present in population databases (rs568826568, gnomAD 0.007%). This variant has not been reported in the literature in individuals affected with TNFAIP3-related conditions. An algorithm developed to predict the effect of missense changes on protein structure and function (PolyPhen-2) suggests that this variant is likely to be disruptive. In summary, the available evidence is currently insufficient to determine the role of this variant in disease. Therefore, it has been classified as a Variant of Uncertain Significance.